The following is an entry in ClinVar:

ClinVar aggregate classification (germline): Uncertain significance. Review status: criteria provided, multiple submitters, no conflicts (2 of 4 stars). 3 submissions from 3 submitters: Uncertain significance (3). Last evaluated 2025-05-04.

Conditions:
Malignant hyperthermia, susceptibility to, 1 (MHS1). Also called: RYR1-Related Malignant Hyperthermia Susceptibility; Anesthesia related hyperthermia; Malignant hyperpyrexia; Fulminating hyperpyrexia; Pharmacogenic myopathy; Malignant hyperthermia suceptibility 1. Identifiers: Orphanet 423, MedGen C2930980, MONDO:0007783, OMIM 145600.

Allele frequency attached by ClinVar (database versions not stated): gnomAD exomes below 0.00001; gnomAD 0.00001.
gnomAD v4.1: 3 of 1,613,984 alleles (0.00019%); highest among the groups gnomAD compares: South Asian, 0.0011%; no homozygotes.

Submissions (3):

GeneDx
Classification: Uncertain significance. Last evaluated: 2025-05-04. Review status: criteria provided, single submitter. Criteria: GeneDx Variant Classification Process June 2021. Collection method: clinical testing. Allele origin: germline. Affected: yes.
Comment: Not observed at significant frequency in large population cohorts (gnomAD); In silico analysis supports that this missense variant has a deleterious effect on protein structure/function; Has not been previously published as pathogenic or benign to our knowledge

Color Diagnostics, LLC DBA Color Health
Classification: Uncertain significance for Malignant hyperthermia, susceptibility to, 1. Last evaluated: 2024-03-06. Review status: criteria provided, single submitter. Criteria: ACMG Guidelines, 2015. Collection method: clinical testing. Allele origin: germline.
Comment: This missense variant replaces asparagine with serine at codon 1164 of the RYR1 protein. Computational prediction suggests that this variant may have deleterious impact on protein structure and function. To our knowledge, functional studies have not been reported for this variant. This variant has not been reported in individuals affected with RYR1-related disorders in the literature. This variant has been identified in 1/251488 chromosomes in the general population by the Genome Aggregation Database (gnomAD). The available evidence is insufficient to determine the role of this variant in disease conclusively. Therefore, this variant is classified as a Variant of Uncertain Significance.

All of Us Research Program, National Institutes of Health
Classification: Uncertain significance for Malignant hyperthermia, susceptibility to, 1. Last evaluated: 2023-08-15. Review status: criteria provided, single submitter. Criteria: ACMG Guidelines, 2015. Collection method: clinical testing. Allele origin: germline. Inheritance: Autosomal dominant inheritance. Observed: 3 variant alleles, 3 heterozygotes.
Comment: This missense variant replaces asparagine with serine at codon 1164 of the RYR1 protein. Computational prediction suggests that this variant may have deleterious impact on protein structure and function (internally defined REVEL score threshold >= 0.7, PMID: 27666373). To our knowledge, functional studies have not been reported for this variant. This variant has not been reported in individuals affected with RYR1-related disorders in the literature. This variant has been identified in 1/251488 chromosomes in the general population by the Genome Aggregation Database (gnomAD). The available evidence is insufficient to determine the role of this variant in disease conclusively. Therefore, this variant is classified as a Variant of Uncertain Significance.

This study involves interpretation of variants in research participants for the purpose of population health screening. Participant phenotype was not available at the time of variant classification. Additional details can be found in publication PMID: 35346344, PMCID: PMC8962531

NM_000540.3(RYR1):c.3491A>G (p.Asn1164Ser)

Gene: RYR1 (ryanodine receptor 1; plus strand). Cytogenetic location: 19q13.2.
Variant type: single nucleotide variant.
Coding change: c.3491A>G on transcript NM_000540.3 (MANE Select); coding-DNA position 3491, A replaced by G.
Protein change: p.Asn1164Ser; replaces asparagine 1164 with serine.
Molecular consequence: missense variant.
Genome position (GRCh38, 1-based): chr19:38,469,075, A>G. VCF-style: chr19-38469075-A-G. GRCh37 (hg19) VCF-style: chr19-38959715-A-G.
Other names: c.3491A>G, p.Asn1164Ser (NM_001042723.2); short protein forms N1164S.
Identifiers: ClinVar variation 3069507 (VCV003069507.3), dbSNP rs1193678705, ClinGen allele CA405638664.